The following is an entry in ClinVar:

NM_002473.6(MYH9):c.871G>A (p.Asp291Asn)

Gene: MYH9 (myosin heavy chain 9; minus strand). Cytogenetic location: 22q12.3.
Variant type: single nucleotide variant.
Coding change: c.871G>A on transcript NM_002473.6 (MANE Select); coding-DNA position 871, G replaced by A.
Protein change: p.Asp291Asn; replaces aspartic acid 291 with asparagine.
Molecular consequence: missense variant.
Genome position (GRCh38, 1-based): chr22:36,320,361, C>T on the plus strand (G>A on the coding strand, the complement: MYH9 is on the minus strand). VCF-style: chr22-36320361-C-T. GRCh37 (hg19) VCF-style: chr22-36716406-C-T.
Other names: short protein forms D291N.
Identifiers: ClinVar variation 1924988 (VCV001924988.6), dbSNP rs371205546, ClinGen allele CA10210434.

ClinVar aggregate classification (germline): Conflicting classifications of pathogenicity. Review status: criteria provided, conflicting classifications (1 of 4 stars). 2 submissions from 2 submitters: Uncertain significance (1); Likely benign (1). Last evaluated 2024-09-22.

Conditions:
Severe X-linked myotubular myopathy (CNMX). Also called: MYOTUBULAR MYOPATHY 1; X-linked centronuclear myopathy; Myotubular myopathy, X-linked. Identifiers: Orphanet 596, MedGen C0410203, MONDO:0010683, OMIM 310400.

Allele frequency attached by ClinVar (database versions not stated): ExAC 0.00001; gnomAD 0.00001; TOPMed 0.00001; ESP Exome Variant Server 0.00008.
gnomAD v4.1: 5 of 1,613,254 alleles (0.00031%); highest among the groups gnomAD compares: African/African-American, 0.0027%; no homozygotes.

Submissions (2):

Johns Hopkins Genomics, Johns Hopkins University
Classification: Likely benign for Severe X-linked myotubular myopathy. Last evaluated: 2024-09-22. Review status: criteria provided, single submitter. Criteria: ACMG Guidelines, 2015. Collection method: clinical testing. Allele origin: germline.
Comment: This variant is classified as likely benign (PM2, BP4, BP5).

Labcorp Genetics (formerly Invitae), Labcorp
Classification: Uncertain significance. Last evaluated: 2022-03-28. Review status: criteria provided, single submitter. Criteria: Invitae Variant Classification Sherloc (09022015). Collection method: clinical testing. Allele origin: germline.
Comment: In summary, the available evidence is currently insufficient to determine the role of this variant in disease. Therefore, it has been classified as a Variant of Uncertain Significance. Algorithms developed to predict the effect of missense changes on protein structure and function (SIFT, PolyPhen-2, Align-GVGD) all suggest that this variant is likely to be tolerated. This variant has not been reported in the literature in individuals affected with MYH9-related conditions. This variant is present in population databases (rs371205546, gnomAD 0.002%). This sequence change replaces aspartic acid, which is acidic and polar, with asparagine, which is neutral and polar, at codon 291 of the MYH9 protein (p.Asp291Asn).